The following is an entry in ClinVar:

NM_001242672.3(TTC34):c.1911C>T (p.Asp637=)

Gene: TTC34 (tetratricopeptide repeat domain 34; minus strand). Cytogenetic location: 1p36.32.
Variant type: single nucleotide variant.
Coding change: c.1911C>T on transcript NM_001242672.3 (MANE Select); coding-DNA position 1911, C replaced by T.
Protein change: p.Asp637=; no amino-acid change (aspartic acid 637 retained).
Molecular consequence: synonymous variant.
Genome position (GRCh38, 1-based): chr1:2,785,967, G>A on the plus strand (C>T on the coding strand, the complement: TTC34 is on the minus strand). VCF-style: chr1-2785967-G-A. GRCh37 (hg19) VCF-style: chr1-2702532-G-A.
Identifiers: ClinVar variation 2638090 (VCV002638090.24), dbSNP rs370056680, ClinGen allele CA17026646.
Genomic context (GRCh38, chr1:2,785,967, plus strand): 5'-GGCCAGGGCCCTGGCGTGGCAGTGGCCTTGAAGCAGCTGCCGGTCCTCGTGGCAGAAGAC[G>A]TCCAGGGTGGGCTGGAGGCAGGCGGTGTCACCAGACTGGACCAGCTTCTTCACCAACTGC-3'
Protein context (NP_001229601.2, residues 627-647): GDTACLQPTL[Asp637=]VFCHEDRQLL

ClinVar aggregate classification (germline): Likely benign (1 of 4 stars; one submission).

gnomAD v4.1: 17 of 1,511,594 alleles (0.0011%); highest among the groups gnomAD compares: Admixed American, 0.0042%; no homozygotes.

Submission:

CeGaT Center for Human Genetics Tuebingen
Classification: Likely benign. Last evaluated: 2022-08-01. Review status: criteria provided, single submitter. Criteria: CeGaT Center For Human Genetics Tuebingen Variant Classification Criteria Version 2. Collection method: clinical testing. Allele origin: germline. Affected: yes. Observed: 1 variant allele.
Comment: TTC34: BP4, BP7